The following is an entry in ClinVar:

NM_000053.4(ATP7B):c.609C>T (p.Asp203=)

Gene: ATP7B (ATPase copper transporting beta; minus strand). Cytogenetic location: 13q14.3.
Variant type: single nucleotide variant.
Coding change: c.609C>T on transcript NM_000053.4 (MANE Select); coding-DNA position 609, C replaced by T.
Protein change: p.Asp203=; no amino-acid change (aspartic acid 203 retained).
Molecular consequence: synonymous variant.
Genome position (GRCh38, 1-based): chr13:51,974,611, G>A on the plus strand (C>T on the coding strand, the complement: ATP7B is on the minus strand). VCF-style: chr13-51974611-G-A. GRCh37 (hg19) VCF-style: chr13-52548747-G-A.
Other names: c.609C>T, p.Asp203= (NM_001005918.3, NM_001243182.2, NM_001330578.2 and 1 more transcripts).
Identifiers: ClinVar variation 881490 (VCV000881490.17), dbSNP rs781140058, ClinGen allele CA6989529.

ClinVar aggregate classification (germline): Conflicting classifications of pathogenicity. Review status: criteria provided, conflicting classifications (1 of 4 stars). 6 submissions from 6 submitters: Uncertain significance (1); Likely benign (5). Last evaluated 2026-01-06.

Conditions:
Wilson disease (WND). Also called: Wilson's disease. Identifiers: Orphanet 905, MedGen C0019202, MONDO:0010200, OMIM 277900. Disease mechanism: loss of function.

Allele frequency attached by ClinVar (database versions not stated): ExAC 0.00001; gnomAD 0.00001; gnomAD exomes 0.00001; TOPMed 0.00002.
gnomAD v4.1: 12 of 1,613,586 alleles (0.00074%); highest among the groups gnomAD compares: Non-Finnish European, 0.001%; no homozygotes.

Submissions (6):

Labcorp Genetics (formerly Invitae), Labcorp
Classification: Likely benign for Wilson disease. Last evaluated: 2026-01-06. Review status: criteria provided, single submitter. Criteria: Invitae Variant Classification Sherloc (09022015). Collection method: clinical testing. Allele origin: germline.

Blueprint Genetics
Classification: Likely benign. Last evaluated: 2024-05-08. Review status: criteria provided, single submitter. Criteria: ACMG Guidelines, 2015. Collection method: clinical testing. Allele origin: germline.

All of Us Research Program, National Institutes of Health
Classification: Likely benign for Wilson disease. Last evaluated: 2023-12-13. Review status: criteria provided, single submitter. Criteria: ACMG Guidelines, 2015. Collection method: clinical testing. Allele origin: germline. Inheritance: Autosomal recessive inheritance. Observed: 1 variant allele, 1 heterozygote.
Comment: This study involves interpretation of variants in research participants for the purpose of population health screening. Participant phenotype was not available at the time of variant classification. Additional details can be found in publication PMID: 35346344, PMCID: PMC8962531

Color Diagnostics, LLC DBA Color Health
Classification: Likely benign for Wilson disease. Last evaluated: 2023-11-22. Review status: criteria provided, single submitter. Criteria: ACMG Guidelines, 2015. Collection method: clinical testing. Allele origin: germline.

Genome-Nilou Lab
Classification: Likely benign for Wilson disease. Last evaluated: 2021-08-10. Review status: criteria provided, single submitter. Criteria: ACMG Guidelines, 2015. Collection method: clinical testing. Allele origin: germline. Affected: no.

Illumina Laboratory Services, Illumina
Classification: Uncertain significance for Wilson disease. Last evaluated: 2018-01-13. Review status: criteria provided, single submitter. Criteria: ICSL Variant Classification Criteria 13 December 2019. Collection method: clinical testing. Allele origin: germline.